The following is an entry in ClinVar:

NM_001267550.2(TTN):c.98426A>C (p.Gln32809Pro)

Genes: TTN-AS1 (TTN antisense RNA 1; plus strand), TTN (titin; minus strand). Cytogenetic location: 2q31.2.
Variant type: single nucleotide variant.
Coding change: c.98426A>C on transcript NM_001267550.2 (MANE Select); coding-DNA position 98426, A replaced by C.
Protein change: p.Gln32809Pro; replaces glutamine 32809 with proline.
Molecular consequence: missense variant. On other transcripts: non-coding transcript variant (1).
Genome position (GRCh38, 1-based): chr2:178,539,639, T>G on the plus strand (A>C on the coding strand, the complement: TTN is on the minus strand). VCF-style: chr2-178539639-T-G. GRCh37 (hg19) VCF-style: chr2-179404366-T-G.
Other names: c.93503A>C, p.Gln31168Pro (NM_001256850.1); c.71231A>C, p.Gln23744Pro (NM_003319.4); c.90722A>C, p.Gln30241Pro (NM_133378.4); c.71606A>C, p.Gln23869Pro (NM_133432.3); c.71807A>C, p.Gln23936Pro (NM_133437.4); short protein forms Q32809P, Q23869P, Q23936P, Q30241P, Q31168P, Q23744P.
Identifiers: ClinVar variation 404639 (VCV000404639.27), dbSNP rs1060500398, ClinGen allele CA16610220.

ClinVar aggregate classification (germline): Uncertain significance. Review status: criteria provided, multiple submitters, no conflicts (2 of 4 stars). 2 submissions from 2 submitters: Uncertain significance (2). Last evaluated 2023-09-01.

Conditions:
Autosomal recessive limb-girdle muscular dystrophy type 2J (LGMDR10). Also called: Limb-girdle muscular dystrophy, type 2J; MUSCULAR DYSTROPHY, LIMB-GIRDLE, AUTOSOMAL RECESSIVE 10. Identifiers: Orphanet 140922, MedGen C1837342, MONDO:0012127, OMIM 608807.
Dilated cardiomyopathy 1G (CMD1G). Identifiers: Orphanet 154, MedGen C1858763, MONDO:0011400, OMIM 604145.

Allele frequency attached by ClinVar (database versions not stated): gnomAD exomes below 0.00001; gnomAD 0.00001.
gnomAD v4.1: 5 of 1,613,664 alleles (0.00031%); highest among the groups gnomAD compares: Non-Finnish European, 0.00042%; no homozygotes.

Submissions (2):

CeGaT Center for Human Genetics Tuebingen
Classification: Uncertain significance. Last evaluated: 2023-09-01. Review status: criteria provided, single submitter. Criteria: CeGaT Center For Human Genetics Tuebingen Variant Classification Criteria Version 2. Collection method: clinical testing. Allele origin: germline. Affected: yes. Observed: 1 variant allele.
Comment: TTN: PM2

Labcorp Genetics (formerly Invitae), Labcorp
Classification: Uncertain significance for Dilated cardiomyopathy 1G; Autosomal recessive limb-girdle muscular dystrophy type 2J. Last evaluated: 2017-07-27. Review status: criteria provided, single submitter. Criteria: Invitae Variant Classification Sherloc (09022015). Collection method: clinical testing. Allele origin: germline.